The following is an entry in ClinVar:

ClinVar aggregate classification (germline): Benign. Review status: criteria provided, multiple submitters, no conflicts (2 of 4 stars). 7 submissions from 2 submitters: Benign (7). Last evaluated 2021-05-14.

Conditions:
Retinitis pigmentosa (RP). Identifiers: Orphanet 791, MedGen C0035334, MeSH D012174, MONDO:0019200, OMIM 268000. Inheritance: Autosomal dominant, autosomal recessive and X linked inheritance.
Cone-rod dystrophy. Also called: Cone-rod degeneration; Cone/cone-rod dystrophy. Identifiers: Orphanet 1872, MedGen C4085590, MONDO:0015993, HP:0000548.
Adult-onset foveomacular vitelliform dystrophy. Also called: FOVEOMACULAR DYSTROPHY, ADULT-ONSET; FOVEOMACULAR DYSTROPHY, ADULT-ONSET, WITH OR WITHOUT CHOROIDAL NEOVASCULARIZATION; Adult onset vitelliform dystrophy. Identifiers: Orphanet 99000, MedGen C1842914, MONDO:0011979.
Patterned macular dystrophy 1. Also called: BUTTERFLY DYSTROPHY OF RETINAL PIGMENT EPITHELIUM; MACULAR DYSTROPHY, BUTTERFLY-SHAPED PIGMENTARY. Identifiers: Orphanet 99001, MedGen C4551999, MONDO:0008210, OMIM 169150.
Choroidal dystrophy, central areolar 2 (CACD2). Also called: MACULAR DYSTROPHY, PROGRESSIVE; Choriodal Dystrophy, Central Areolar 2. Identifiers: Orphanet 75377, MedGen C2751290, MONDO:0013137, OMIM 613105.
Pigmentary retinal dystrophy. Also called: Fundus albipunctatus. Identifiers: Orphanet 227796, Orphanet 52427, MedGen C0311338, MONDO:0007639, OMIM 136880, HP:0030642.

Allele frequency attached by ClinVar (database versions not stated): 1000 Genomes Project 30x 0.75156; 1000 Genomes Project 0.75439; TOPMed 0.76449; gnomAD 0.77129 and 0.77165; gnomAD exomes 0.81250.
gnomAD v4.1: 117,408 of 152,068 alleles (77%); highest among the groups gnomAD compares: East Asian, 86%; 45,470 homozygotes.

Submissions (7):

GeneDx
Classification: Benign. Last evaluated: 2021-05-14. Review status: criteria provided, single submitter. Criteria: GeneDx Variant Classification Process June 2021. Collection method: clinical testing. Allele origin: germline. Affected: yes.

Illumina Laboratory Services, Illumina
Classification: Benign for Patterned macular dystrophy 1. Last evaluated: 2018-01-12. Review status: criteria provided, single submitter. Criteria: ICSL Variant Classification Criteria 13 December 2019. Collection method: clinical testing. Allele origin: germline.
Comment: This variant was observed in the ICSL laboratory as part of a predisposition screen in an ostensibly healthy population. It had not been previously curated by ICSL or reported in the Human Gene Mutation Database (HGMD: prior to June 1st, 2018), and was therefore a candidate for classification through an automated scoring system. Utilizing variant allele frequency, disease prevalence and penetrance estimates, and inheritance mode, an automated score was calculated to assess if this variant is too frequent to cause the disease. Based on the score and internal cut-off values, a variant classified as benign is not then subjected to further curation. The score for this variant resulted in a classification of benign for this disease.

Illumina Laboratory Services, Illumina
Classification: Benign for Pigmentary retinal dystrophy. Last evaluated: 2018-01-12. Review status: criteria provided, single submitter. Criteria: ICSL Variant Classification Criteria 13 December 2019. Collection method: clinical testing. Allele origin: germline.
Comment: the same text as in the submission from Illumina Laboratory Services, Illumina above.

Illumina Laboratory Services, Illumina
Classification: Benign for Vitelliform macular dystrophy 3. Last evaluated: 2018-01-12. Review status: criteria provided, single submitter. Criteria: ICSL Variant Classification Criteria 13 December 2019. Collection method: clinical testing. Allele origin: germline.
Comment: the same text as in the submission from Illumina Laboratory Services, Illumina above.

Illumina Laboratory Services, Illumina
Classification: Benign for Retinitis pigmentosa. Last evaluated: 2018-01-12. Review status: criteria provided, single submitter. Criteria: ICSL Variant Classification Criteria 13 December 2019. Collection method: clinical testing. Allele origin: germline.
Comment: the same text as in the submission from Illumina Laboratory Services, Illumina above.

Illumina Laboratory Services, Illumina
Classification: Benign for Cone-rod dystrophy. Last evaluated: 2018-01-12. Review status: criteria provided, single submitter. Criteria: ICSL Variant Classification Criteria 13 December 2019. Collection method: clinical testing. Allele origin: germline.
Comment: the same text as in the submission from Illumina Laboratory Services, Illumina above.

Illumina Laboratory Services, Illumina
Classification: Benign for Choroidal dystrophy, central areolar 2. Last evaluated: 2018-01-12. Review status: criteria provided, single submitter. Criteria: ICSL Variant Classification Criteria 13 December 2019. Collection method: clinical testing. Allele origin: germline.
Comment: the same text as in the submission from Illumina Laboratory Services, Illumina above.

NM_000322.5(PRPH2):c.*762C>T

Gene: PRPH2 (peripherin 2; minus strand). Cytogenetic location: 6p21.1.
Variant type: single nucleotide variant.
Coding change: c.*762C>T on transcript NM_000322.5 (MANE Select); 762 bases downstream of the stop codon, C replaced by T.
Molecular consequence: 3 prime UTR variant.
Genome position (GRCh38, 1-based): chr6:42,697,533, G>A on the plus strand (C>T on the coding strand, the complement: PRPH2 is on the minus strand). VCF-style: chr6-42697533-G-A. GRCh37 (hg19) VCF-style: chr6-42665271-G-A.
Identifiers: ClinVar variation 356762 (VCV000356762.6), dbSNP rs1758213, ClinGen allele CA10622102.